The following is an entry in ClinVar:

ClinVar aggregate classification (germline): Conflicting classifications of pathogenicity. Review status: criteria provided, conflicting classifications (1 of 4 stars). 5 submissions from 5 submitters: Uncertain significance (2); Likely benign (3). Last evaluated 2025-11-28.

Conditions:
TTN-related disorder. Also called: TTN-related condition; TTN-related disease; TTN-related disorders.
Cardiovascular phenotype. Identifiers: MedGen CN230736.
Dilated cardiomyopathy 1G (CMD1G). Identifiers: Orphanet 154, MedGen C1858763, MONDO:0011400, OMIM 604145.
Autosomal recessive limb-girdle muscular dystrophy type 2J (LGMDR10). Also called: Limb-girdle muscular dystrophy, type 2J; MUSCULAR DYSTROPHY, LIMB-GIRDLE, AUTOSOMAL RECESSIVE 10. Identifiers: Orphanet 140922, MedGen C1837342, MONDO:0012127, OMIM 608807.

Allele frequency attached by ClinVar (database versions not stated): gnomAD 0.00001; gnomAD exomes 0.00001; TOPMed 0.00002.
gnomAD v4.1: 14 of 1,613,800 alleles (0.00087%); highest among the groups gnomAD compares: Admixed American, 0.0033%; no homozygotes.

Submissions (5):

Labcorp Genetics (formerly Invitae), Labcorp
Classification: Likely benign for Dilated cardiomyopathy 1G; Autosomal recessive limb-girdle muscular dystrophy type 2J. Last evaluated: 2025-11-28. Review status: criteria provided, single submitter. Criteria: Invitae Variant Classification Sherloc (09022015). Collection method: clinical testing. Allele origin: germline.

PreventionGenetics, part of Exact Sciences
Classification: Likely benign for TTN-related condition. Last evaluated: 2025-07-19. Review status: criteria provided, single submitter. Criteria: ACMG Guidelines, 2015. Collection method: clinical testing. Allele origin: germline.
Comment: This variant is classified as likely benign based on ACMG/AMP sequence variant interpretation guidelines (Richards et al. 2015 PMID: 25741868, with internal and published modifications).

Revvity Omics, Revvity
Classification: Uncertain significance. Last evaluated: 2022-09-25. Review status: criteria provided, single submitter. Criteria: ACMG Guidelines, 2015. Collection method: clinical testing. Allele origin: germline.

Ambry Genetics
Classification: Likely benign for Cardiovascular phenotype. Last evaluated: 2020-05-18. Review status: criteria provided, single submitter. Criteria: Ambry Variant Classification Scheme 2023. Collection method: clinical testing. Allele origin: germline.

Eurofins Ntd Llc (ga)
Classification: Uncertain significance. Last evaluated: 2017-06-13. Review status: criteria provided, single submitter. Criteria: EGL Classification Definitions 2015. Collection method: clinical testing. Allele origin: germline. Observed: 4 variant alleles, 4 heterozygotes.

NM_001267550.2(TTN):c.102025T>C (p.Leu34009=)

Genes: TTN (titin; minus strand), TTN-AS1 (TTN antisense RNA 1; plus strand). Cytogenetic location: 2q31.2.
Variant type: single nucleotide variant.
Coding change: c.102025T>C on transcript NM_001267550.2 (MANE Select); coding-DNA position 102025, T replaced by C.
Protein change: p.Leu34009=; no amino-acid change (leucine 34009 retained).
Molecular consequence: synonymous variant.
Genome position (GRCh38, 1-based): chr2:178,534,590, A>G on the plus strand (T>C on the coding strand, the complement: TTN is on the minus strand). VCF-style: chr2-178534590-A-G. GRCh37 (hg19) VCF-style: chr2-179399317-A-G.
Other names: c.97102T>C, p.Leu32368= (NM_001256850.1); c.74830T>C, p.Leu24944= (NM_003319.4); c.94321T>C, p.Leu31441= (NM_133378.4); c.75205T>C, p.Leu25069= (NM_133432.3); c.75406T>C, p.Leu25136= (NM_133437.4).
Identifiers: ClinVar variation 196654 (VCV000196654.21), dbSNP rs794727543, ClinGen allele CA243693.